The following is an entry in ClinVar:

ClinVar aggregate classification (germline): Likely benign (0 of 4 stars; one submission).

Conditions:
FBXO31-related disorder. Also called: FBXO31-related condition.

Allele frequency attached by ClinVar (database versions not stated): gnomAD exomes 0.00006; ExAC 0.00025; 1000 Genomes Project 0.00060; gnomAD 0.00073; 1000 Genomes Project 30x 0.00078; TOPMed 0.00086; ESP Exome Variant Server 0.00092.
gnomAD v4.1: 199 of 1,612,818 alleles (0.012%); highest among the groups gnomAD compares: African/African-American, 0.23%; no homozygotes.

Submission:

PreventionGenetics, part of Exact Sciences
Classification: Likely benign for FBXO31-related condition. Last evaluated: 2019-08-26. Review status: no assertion criteria provided. Collection method: clinical testing. Allele origin: germline.
Comment: This variant is classified as likely benign based on ACMG/AMP sequence variant interpretation guidelines (Richards et al. 2015 PMID: 25741868, with internal and published modifications).

NM_024735.5(FBXO31):c.996+9C>T

Gene: FBXO31 (F-box protein 31; minus strand). Cytogenetic location: 16q24.2.
Variant type: single nucleotide variant.
Coding change: c.996+9C>T on transcript NM_024735.5 (MANE Select); 9 bases into the intron after coding-DNA position 996, C replaced by T.
Molecular consequence: intron variant.
Genome position (GRCh38, 1-based): chr16:87,335,295, G>A on the plus strand (C>T on the coding strand, the complement: FBXO31 is on the minus strand). VCF-style: chr16-87335295-G-A. GRCh37 (hg19) VCF-style: chr16-87368901-G-A.
Other names: c.480+9C>T (NM_001282683.2).
Identifiers: ClinVar variation 3053211 (VCV003053211.2), dbSNP rs201115565, ClinGen allele CA8219037.
Genomic context (GRCh38, chr16:87,335,295, plus strand): 5'-CCCTGACTCCACAGCCCACTTGGGCCAGGTGCCCCCAGAGCCCCACCAACCAGGTCAGCC[G>A]CCACTCACCGTGATCTTGGTGCCCCTGGCACGCCGGCCGTGGAAGCTGAGCATCACAATC-3'